The following is an entry in ClinVar:

ClinVar aggregate classification (germline): Uncertain significance (1 of 4 stars; one submission).

Allele frequency attached by ClinVar (database versions not stated): gnomAD exomes 0.00001; gnomAD 0.00003 and 0.00004; TOPMed 0.00007.

Submission:

Labcorp Genetics (formerly Invitae), Labcorp
Classification: Uncertain significance. Last evaluated: 2026-01-06. Review status: criteria provided, single submitter. Criteria: Invitae Variant Classification Sherloc (09022015). Collection method: clinical testing. Allele origin: germline.
Comment: This sequence change replaces alanine, which is neutral and non-polar, with valine, which is neutral and non-polar, at codon 104 of the TNFRSF6B protein (p.Ala104Val). This variant is present in population databases (no rsID available, gnomAD 0.009%). This variant has not been reported in the literature in individuals affected with TNFRSF6B-related conditions. ClinVar contains an entry for this variant (Variation ID: 1408250). An algorithm developed to predict the effect of missense changes on protein structure and function (PolyPhen-2) suggests that this variant is likely to be tolerated. In summary, the available evidence is currently insufficient to determine the role of this variant in disease. Therefore, it has been classified as a Variant of Uncertain Significance.

NM_003823.4(TNFRSF6B):c.311C>T (p.Ala104Val)

Genes: RTEL1-TNFRSF6B (RTEL1-TNFRSF6B readthrough (NMD candidate); plus strand), TNFRSF6B (TNF receptor superfamily member 6b; plus strand). Cytogenetic location: 20q13.33.
Variant type: single nucleotide variant.
Coding change: c.311C>T on transcript NM_003823.4 (MANE Select); coding-DNA position 311, C replaced by T.
Protein change: p.Ala104Val; replaces alanine 104 with valine.
Molecular consequence: missense variant. On other transcripts: non-coding transcript variant (1).
Genome position (GRCh38, 1-based): chr20:63,697,078, C>T. VCF-style: chr20-63697078-C-T. GRCh37 (hg19) VCF-style: chr20-62328431-C-T.
Other names: short protein forms A104V.
Identifiers: ClinVar variation 1408250 (VCV001408250.6), dbSNP rs1283366902, ClinGen allele CA409711177.